The following is an entry in ClinVar:

ClinVar aggregate classification (germline): Benign (1 of 4 stars; one submission).

Conditions:
Ornithine aminotransferase deficiency (GACR). Also called: HYPERORNITHINEMIA WITH GYRATE ATROPHY OF CHOROID AND RETINA; OAT DEFICIENCY; OKT DEFICIENCY; Ornithine ketoacid aminotransferase deficiency; Gyrate atrophy; Gyrate atrophy of choroid and retina. Identifiers: Orphanet 414, MedGen C0018425, MONDO:0009796, OMIM 258870.

Allele frequency attached by ClinVar (database versions not stated): 1000 Genomes Project 30x 0.00375; gnomAD 0.00449 and 0.00489; 1000 Genomes Project 0.00459; TOPMed 0.00483.

Submission:

Illumina Laboratory Services, Illumina
Classification: Benign for Ornithine aminotransferase deficiency. Last evaluated: 2018-01-12. Review status: criteria provided, single submitter. Criteria: ICSL Variant Classification Criteria 13 December 2019. Collection method: clinical testing. Allele origin: germline.
Comment: This variant was observed in the ICSL laboratory as part of a predisposition screen in an ostensibly healthy population. It had not been previously curated by ICSL or reported in the Human Gene Mutation Database (HGMD: prior to June 1st, 2018), and was therefore a candidate for classification through an automated scoring system. Utilizing variant allele frequency, disease prevalence and penetrance estimates, and inheritance mode, an automated score was calculated to assess if this variant is too frequent to cause the disease. Based on the score and internal cut-off values, a variant classified as benign is not then subjected to further curation. The score for this variant resulted in a classification of benign for this disease.

NM_000274.4(OAT):c.-38C>T

Gene: OAT (ornithine aminotransferase; minus strand). Cytogenetic location: 10q26.13.
Variant type: single nucleotide variant.
Coding change: c.-38C>T on transcript NM_000274.4 (MANE Select); 38 bases upstream of the start codon, C replaced by T.
Molecular consequence: 5 prime UTR variant.
Genome position (GRCh38, 1-based): chr10:124,418,881, G>A on the plus strand (C>T on the coding strand, the complement: OAT is on the minus strand). VCF-style: chr10-124418881-G-A. GRCh37 (hg19) VCF-style: chr10-126107450-G-A.
Other names: c.-224C>T (NM_001171814.2); c.-33C>T (NM_001322965.2); c.-353C>T (NM_001322966.2); c.-158C>T (NM_001322967.2); c.-245C>T (NM_001322968.2); c.-125C>T (NM_001322969.2); c.-341C>T (NM_001322970.2); c.-38C>T (NM_001322971.2); and 1 more.
Identifiers: ClinVar variation 299178 (VCV000299178.5), dbSNP rs9422945, ClinGen allele CA10631185.